The following is an entry in ClinVar:

ClinVar aggregate classification (germline): Benign. Review status: criteria provided, single submitter (1 of 4 stars). 2 submissions from 2 submitters: Benign (1). 1 of the submissions does not count toward it. Last evaluated 2018-07-31.

Allele frequency attached by ClinVar (database versions not stated): 1000 Genomes Project 30x 0.00156; 1000 Genomes Project 0.00160; TOPMed 0.00165; ESP Exome Variant Server 0.00169.
gnomAD v4.1: 459 of 1,613,304 alleles (0.028%); highest among the groups gnomAD compares: African/African-American, 0.5%; 2 homozygotes.

Submissions (2):

Labcorp Genetics (formerly Invitae), Labcorp
Classification: Benign. Last evaluated: 2018-07-31. Review status: criteria provided, single submitter. Criteria: Invitae Variant Classification Sherloc (09022015). Collection method: clinical testing. Allele origin: germline.

ITMI
No classification provided. Condition: AllHighlyPenetrant. Last evaluated: 2013-09-19. Review status: no classification provided. Collection method: reference population. Allele origin: germline. Not counted in ClinVar's aggregate classification.
Comment: Please see associated publication for description of ethnicities

Literature cited by the submitters: PubMed 24728327 (cited by ITMI).

NM_002253.4(KDR):c.1055C>T (p.Ala352Val)

Gene: KDR (kinase insert domain receptor; minus strand). Cytogenetic location: 4q12.
Variant type: single nucleotide variant.
Coding change: c.1055C>T on transcript NM_002253.4 (MANE Select); coding-DNA position 1055, C replaced by T.
Protein change: p.Ala352Val; replaces alanine 352 with valine.
Molecular consequence: missense variant.
Genome position (GRCh38, 1-based): chr4:55,110,690, G>A on the plus strand (C>T on the coding strand, the complement: KDR is on the minus strand). VCF-style: chr4-55110690-G-A. GRCh37 (hg19) VCF-style: chr4-55976857-G-A.
Other names: short protein forms A352V.
Identifiers: ClinVar variation 134617 (VCV000134617.4), dbSNP rs151317075, ClinGen allele CA160339.